The following is an entry in ClinVar:

NM_177438.3(DICER1):c.2507_2508del (p.Phe836fs)

Gene: DICER1 (dicer 1, ribonuclease III; minus strand). Cytogenetic location: 14q32.13.
Variant type: Deletion.
Coding change: c.2507_2508del on transcript NM_177438.3 (MANE Select); coding-DNA positions 2507 to 2508, 2 bases deleted (TC; older notation c.2507_2508delTC).
Protein change: p.Phe836fs; shifts the reading frame from phenylalanine 836.
Molecular consequence: frameshift variant.
Genome position (GRCh38, 1-based): chr14:95,108,022-95,108,023, GA deleted on the plus strand (TC on the coding strand, the reverse complement: DICER1 is on the minus strand). VCF-style (leftmost placement, unchanged base first): chr14-95108021-TGA-T. GRCh37 (hg19) VCF-style: chr14-95574358-TGA-T.
Other names: c.2507_2508delTC (NM_177438.2); c.2507_2508del, p.Phe836fs (NM_001195573.1, NM_001271282.3, NM_001291628.2 and 1 more transcripts); short protein forms F836fs.
Identifiers: ClinVar variation 412123 (VCV000412123.8), dbSNP rs1060503628, ClinGen allele CA16614364.

ClinVar aggregate classification (germline): Pathogenic (1 of 4 stars; one submission).

Conditions:
DICER1-related tumor predisposition. Also called: DICER1-related pleuropulmonary blastoma cancer predisposition syndrome; DICER1 syndrome. Identifiers: Orphanet 284343, MedGen C3839822, MONDO:0100216.

Submission:

Labcorp Genetics (formerly Invitae), Labcorp
Classification: Pathogenic for DICER1-related tumor predisposition. Last evaluated: 2016-07-08. Review status: criteria provided, single submitter. Criteria: Invitae Variant Classification Sherloc (09022015). Collection method: clinical testing. Allele origin: germline.
Comment: For these reasons, this variant has been classified as Pathogenic. While this particular variant has not been reported in the literature, loss-of-function variants in DICER1 are known to be pathogenic (PMID: 19556464, 21266384). This sequence change deletes 2 nucleotides from exon 16 of the DICER1 mRNA (c.2507_2508delTC), causing a frameshift at codon 836. This creates a premature translational stop signal (p.Phe836Tyrfs*8) and is expected to result in an absent or disrupted protein product.

Literature cited by the submitters: PubMed 19556464; PubMed 21266384.